The following is an entry in ClinVar:

ClinVar aggregate classification (germline): Pathogenic/Likely pathogenic. Review status: criteria provided, multiple submitters, no conflicts (2 of 4 stars). 4 submissions from 4 submitters: Pathogenic (2); Likely pathogenic (1). 1 of the submissions does not count toward it. Last evaluated 2026-01-13.

Conditions:
HJV-related disorder. Also called: HJV-related condition.
Hemochromatosis type 2A (HFE2A). Also called: HJV (HFE2)-Related Juvenile Hemochromatosis; Adult-Onset Hemochromatosis. Identifiers: Orphanet 79230, MedGen C1865614, MONDO:0011216, OMIM 602390.

Allele frequency attached by ClinVar (database versions not stated): ExAC 0.00001; gnomAD 0.00001; gnomAD exomes 0.00001; TOPMed 0.00001.
gnomAD v4.1: 58 of 1,613,538 alleles (0.0036%); highest among the groups gnomAD compares: Non-Finnish European, 0.0046%; no homozygotes.

Submissions (4):

PreventionGenetics, part of Exact Sciences
Classification: Likely pathogenic for HJV-related condition. Last evaluated: 2026-01-13. Review status: criteria provided, single submitter. Criteria: ACMG Guidelines, 2015. Collection method: clinical testing. Allele origin: germline.
Comment: The HJV c.238T>C variant is predicted to result in the amino acid substitution p.Cys80Arg. This variant was reported in the compound heterozygous state in two related individuals with Haemochromatosis (Lee et al. 2004. PubMed ID: 14982867). Functional studies in HeLa cells indicate this variant results in a loss of function through an inability to activate hepcidin (Pagani et al. 2008. PubMed ID: 18827264). This variant is reported in 0.0024% of alleles in individuals of European (Non-Finnish) descent in gnomAD. This variant is interpreted as likely pathogenic.

Labcorp Genetics (formerly Invitae), Labcorp
Classification: Pathogenic. Last evaluated: 2025-10-15. Review status: criteria provided, single submitter. Criteria: Invitae Variant Classification Sherloc (09022015). Collection method: clinical testing. Allele origin: germline.
Comment: This sequence change replaces cysteine, which is neutral and slightly polar, with arginine, which is basic and polar, at codon 80 of the HJV protein (p.Cys80Arg). This variant is present in population databases (rs28940586, gnomAD 0.004%). This missense change has been observed in individual(s) with clinical features of juvenile hemochromatosis (PMID: 14982867, 15710580). In at least one individual the data is consistent with being in trans (on the opposite chromosome) from a pathogenic variant. It has also been observed to segregate with disease in related individuals. ClinVar contains an entry for this variant (Variation ID: 2369). Invitae Evidence Modeling of protein sequence and biophysical properties (such as structural, functional, and spatial information, amino acid conservation, physicochemical variation, residue mobility, and thermodynamic stability) indicates that this missense variant is expected to disrupt HJV protein function with a positive predictive value of 80%. Experimental studies have shown that this missense change affects HJV function (PMID: 18827264). This variant disrupts the p.Cys80 amino acid residue in HJV. Other variant(s) that disrupt this residue have been determined to be pathogenic (internal data). This suggests that this residue is clinically significant, and that variants that disrupt this residue are likely to be disease-causing. For these reasons, this variant has been classified as Pathogenic.

Natera, Inc.
Classification: Pathogenic for Hemochromatosis type 2A. Last evaluated: 2024-04-04. Review status: criteria provided, single submitter. Criteria: Natera Variant Classification Schema (03/2026). Collection method: clinical testing. Allele origin: germline.
Comment: The c.238T>C variant in HJV is a missense variant predicted to cause substitution of cysteine to arginine at amino acid 80. This variant is rare in the general population with a frequency below the threshold expected for the associated phenotype(s). This variant has been observed in one or more individuals affected with the associated recessive disease, as either homozygous or compound heterozygous with a second variant (PMID: 14982867, 15710580). Additionally, this variant has been observed to segregate in affected family members (PMID: 14982867). Functional studies show that this variant may disrupt protein function (PMID: 18827264). A different variant at the same position has been determined to be Pathogenic or Likely Pathogenic. Computational prediction algorithms indicate this variant is likely to affect gene or protein function. Given the available evidence, this variant is classified as Pathogenic.

OMIM
Classification: Pathogenic for HEMOCHROMATOSIS, TYPE 2A. Last evaluated: 2004-10-01. Review status: no assertion criteria provided. Collection method: literature only. Allele origin: germline. Not counted in ClinVar's aggregate classification.

Literature cited by the submitters: PubMed 14982867 (cited by Labcorp Genetics (formerly Invitae), Labcorp and Natera, Inc.); PubMed 15710580 (cited by Labcorp Genetics (formerly Invitae), Labcorp and Natera, Inc.); PubMed 18827264 (cited by Labcorp Genetics (formerly Invitae), Labcorp and Natera, Inc.); PubMed 12482411 (cited by OMIM); PubMed 15461631 (cited by OMIM).

NM_213653.4(HJV):c.238T>C (p.Cys80Arg)

Gene: HJV (hemojuvelin BMP co-receptor; minus strand). Cytogenetic location: 1q21.1.
Variant type: single nucleotide variant.
Coding change: c.238T>C on transcript NM_213653.4 (MANE Select); coding-DNA position 238, T replaced by C.
Protein change: p.Cys80Arg; replaces cysteine 80 with arginine.
Molecular consequence: missense variant. On other transcripts: 5 prime UTR variant (1), intron variant (3).
Genome position (GRCh38, 1-based): chr1:146,019,594, A>G on the plus strand (T>C on the coding strand, the complement: HJV is on the minus strand). VCF-style: chr1-146019594-A-G. GRCh37 (hg19) VCF-style: chr1-145415419-T-C.
Other names: c.238T>C, p.Cys80Arg (NM_001379352.1); c.-102T>C (NM_145277.5); c.-21-894T>C (NM_213652.4); c.-22+104T>C (NM_202004.4, NM_001316767.2); c.238T>C (NM_213653.3); short protein forms C80R.
Identifiers: ClinVar variation 2369 (VCV000002369.10), dbSNP rs28940586, ClinGen allele CA252255.